The following is an entry in ClinVar:

ClinVar aggregate classification (germline): Likely benign. Review status: criteria provided, multiple submitters, no conflicts (2 of 4 stars). 2 submissions from 2 submitters: Likely benign (2). Last evaluated 2025-10-02.

Conditions:
Bethlem myopathy 1A. Also called: MYOPATHY, BENIGN CONGENITAL, WITH CONTRACTURES; Bethlem Muscular Dystrophy; Bethlem myopathy 1. Identifiers: Orphanet 610, MedGen CN029274, MONDO:0024530, OMIM 158810.
Collagen 6-related myopathy. Identifiers: MedGen CN117976, MONDO:0100225.

Allele frequency attached by ClinVar (database versions not stated): gnomAD 0.00003 and 0.00004; TOPMed 0.00003; gnomAD exomes 0.00007 and 0.00008; ExAC 0.00010.

Submissions (2):

Labcorp Genetics (formerly Invitae), Labcorp
Classification: Likely benign for Bethlem myopathy 1A. Last evaluated: 2025-10-02. Review status: criteria provided, single submitter. Criteria: Invitae Variant Classification Sherloc (09022015). Collection method: clinical testing. Allele origin: germline.

Illumina Laboratory Services, Illumina
Classification: Likely benign for Collagen VI-related myopathy. Last evaluated: 2018-01-13. Review status: criteria provided, single submitter. Criteria: ICSL Variant Classification Criteria 13 December 2019. Collection method: clinical testing. Allele origin: germline.
Comment: This variant was observed in the ICSL laboratory as part of a predisposition screen in an ostensibly healthy population. It had not been previously curated by ICSL or reported in the Human Gene Mutation Database (HGMD: prior to June 1st, 2018), and was therefore a candidate for classification through an automated scoring system. Utilizing variant allele frequency, disease prevalence and penetrance estimates, and inheritance mode, an automated score was calculated to assess if this variant is too frequent to cause the disease. Based on the score and internal cut-off values, a variant classified as likely benign is not then subjected to further curation. The score for this variant resulted in a classification of likely benign for this disease.

NM_001849.4(COL6A2):c.2655C>T (p.Pro885=)

Gene: COL6A2 (collagen type VI alpha 2 chain; plus strand). Cytogenetic location: 21q22.3.
Variant type: single nucleotide variant.
Coding change: c.2655C>T on transcript NM_001849.4 (MANE Select); coding-DNA position 2655, C replaced by T.
Protein change: p.Pro885=; no amino-acid change (proline 885 retained).
Molecular consequence: synonymous variant.
Genome position (GRCh38, 1-based): chr21:46,132,147, C>T. VCF-style: chr21-46132147-C-T. GRCh37 (hg19) VCF-style: chr21-47552061-C-T.
Identifiers: ClinVar variation 707632 (VCV000707632.13), dbSNP rs374163190, ClinGen allele CA10072966.
Genomic context (GRCh38, chr21:46,132,147, plus strand): 5'-GGCCCGGAGGGACGACGACCCTCTCAACGCACGCGTGGCGCTGCTGCAGTTTGGTGGCCC[C>T]GGCGAGCAGCAGGTGGCCTTCCCGCTGAGCCACAACCTCACGGCCATCCACGAGGCGCTG-3'
Protein context (NP_001840.3, residues 875-895): ARVALLQFGG[Pro885=]GEQQVAFPLS